The following is an entry in ClinVar:

NM_000548.5(TSC2):c.648+5G>C

Gene: TSC2 (TSC complex subunit 2; plus strand). Cytogenetic location: 16p13.3.
Variant type: single nucleotide variant.
Coding change: c.648+5G>C on transcript NM_000548.5 (MANE Select); 5 bases into the intron after coding-DNA position 648, G replaced by C.
Molecular consequence: intron variant.
Genome position (GRCh38, 1-based): chr16:2,056,249, G>C. VCF-style: chr16-2056249-G-C. GRCh37 (hg19) VCF-style: chr16-2106250-G-C.
Other names: c.648+5G>C (NM_001114382.3, NM_021055.3, NM_001370405.1 and 3 more transcripts); c.537+5G>C (NM_001318827.2); c.48+5G>C (NM_001318831.2); c.501+5G>C (NM_001318829.2); c.681+5G>C (NM_001318832.2).
Identifiers: ClinVar variation 842558 (VCV000842558.9), dbSNP rs2085796888, ClinGen allele CA916081770.

ClinVar aggregate classification (germline): Uncertain significance. Review status: criteria provided, multiple submitters, no conflicts (2 of 4 stars). 3 submissions from 3 submitters: Uncertain significance (3). Last evaluated 2025-05-16.

Conditions:
Hereditary cancer-predisposing syndrome. Also called: Neoplastic Syndromes, Hereditary; Hereditary neoplastic syndrome; Tumor predisposition; Hereditary Cancer Syndrome. Identifiers: Orphanet 140162, MedGen C0027672, MeSH D009386, MONDO:0015356.
Tuberous sclerosis 2 (TSC2). Identifiers: Orphanet 805, MedGen C1860707, MONDO:0013199, OMIM 613254.
Tuberous sclerosis syndrome (TSC). Also called: Tuberous Sclerosis Complex; Tuberous sclerosis. Identifiers: Orphanet 805, MedGen C0041341, MONDO:0001734.

Submissions (3):

Ambry Genetics
Classification: Uncertain significance for Hereditary cancer-predisposing syndrome. Last evaluated: 2025-05-16. Review status: criteria provided, single submitter. Criteria: Ambry Variant Classification Scheme 2023. Collection method: clinical testing. Allele origin: germline.
Comment: The c.648+5G>C intronic variant results from a G to C substitution 5 nucleotides after coding exon 6 in the TSC2 gene. This nucleotide position is highly conserved in available vertebrate species. In silico splice site analysis predicts that this alteration may weaken the native splice donor site. RNA studies have demonstrated that this alteration results in a splice defect; the clinical impact of this abnormal splicing is unknown at this time (Ambry internal data). Based on the available evidence, the clinical significance of this variant remains unclear.

All of Us Research Program, National Institutes of Health
Classification: Uncertain significance for Tuberous sclerosis syndrome. Last evaluated: 2024-08-06. Review status: criteria provided, single submitter. Criteria: ACMG Guidelines, 2015. Collection method: clinical testing. Allele origin: germline. Inheritance: Autosomal dominant inheritance. Observed: 1 variant allele, 1 heterozygote.
Comment: This study involves interpretation of variants in research participants for the purpose of population health screening. Participant phenotype was not available at the time of variant classification. Additional details can be found in publication PMID: 35346344, PMCID: PMC8962531

Labcorp Genetics (formerly Invitae), Labcorp
Classification: Uncertain significance for Tuberous sclerosis 2. Last evaluated: 2019-11-27. Review status: criteria provided, single submitter. Criteria: Invitae Variant Classification Sherloc (09022015). Collection method: clinical testing. Allele origin: germline.
Comment: In summary, the available evidence is currently insufficient to determine the role of this variant in disease. Therefore, it has been classified as a Variant of Uncertain Significance. Nucleotide substitutions within the consensus splice site are a relatively common cause of aberrant splicing (PMID: 17576681, 9536098). Algorithms developed to predict the effect of sequence changes on RNA splicing suggest that this variant may disrupt the consensus splice site, but this prediction has not been confirmed by published transcriptional studies. This sequence change falls in intron 7 of the TSC2 gene. It does not directly change the encoded amino acid sequence of the TSC2 protein, but it affects a nucleotide within the consensus splice site of the intron. This variant is not present in population databases (ExAC no frequency). This variant has not been reported in the literature in individuals with TSC2-related conditions.

Literature cited by the submitters: PubMed 17576681 (cited by Labcorp Genetics (formerly Invitae), Labcorp); PubMed 9536098 (cited by Labcorp Genetics (formerly Invitae), Labcorp).